The following is an entry in ClinVar:

ClinVar aggregate classification (germline): Uncertain significance (1 of 4 stars; one submission).

Conditions:
Wilms tumor 1 (WT1). Also called: Wilms tumor, somatic. Identifiers: Orphanet 654, MedGen CN033288, MONDO:0008679, OMIM 194070.

Submission:

Labcorp Genetics (formerly Invitae), Labcorp
Classification: Uncertain significance for Wilms tumor 1. Last evaluated: 2022-05-07. Review status: criteria provided, single submitter. Criteria: Invitae Variant Classification Sherloc (09022015). Collection method: clinical testing. Allele origin: germline.
Comment: In summary, the available evidence is currently insufficient to determine the role of this variant in disease. Therefore, it has been classified as a Variant of Uncertain Significance. Algorithms developed to predict the effect of missense changes on protein structure and function (SIFT, PolyPhen-2, Align-GVGD) all suggest that this variant is likely to be tolerated. ClinVar contains an entry for this variant (Variation ID: 543097). This variant has not been reported in the literature in individuals affected with GPC3-related conditions. This variant is not present in population databases (gnomAD no frequency). This sequence change replaces alanine, which is neutral and non-polar, with serine, which is neutral and polar, at codon 436 of the GPC3 protein (p.Ala436Ser).

NM_004484.4(GPC3):c.1306G>T (p.Ala436Ser)

Gene: GPC3 (glypican 3; minus strand). Cytogenetic location: Xq26.2.
Variant type: single nucleotide variant.
Coding change: c.1306G>T on transcript NM_004484.4 (MANE Select); coding-DNA position 1306, G replaced by T.
Protein change: p.Ala436Ser; replaces alanine 436 with serine.
Molecular consequence: missense variant.
Genome position (GRCh38, 1-based): chrX:133,661,837, C>A on the plus strand (G>T on the coding strand, the complement: GPC3 is on the minus strand). VCF-style: chrX-133661837-C-A. GRCh37 (hg19) VCF-style: chrX-132795865-C-A.
Other names: c.1375G>T, p.Ala459Ser (NM_001164617.2); c.1258G>T, p.Ala420Ser (NM_001164618.2); c.1144G>T, p.Ala382Ser (NM_001164619.2); short protein forms A436S, A420S, A459S, A382S.
Identifiers: ClinVar variation 543097 (VCV000543097.9), dbSNP rs1556233681, ClinGen allele CA414704811.